The following is an entry in ClinVar:

NM_000535.7(PMS2):c.1831del (p.Ile611fs)

Gene: PMS2 (PMS1 homolog 2, mismatch repair system component; minus strand). Cytogenetic location: 7p22.1.
Variant type: Deletion.
Coding change: c.1831del on transcript NM_000535.7 (MANE Select); coding-DNA position 1831, one base deleted (A; older notation c.1831delA).
Protein change: p.Ile611fs; shifts the reading frame from isoleucine 611.
Molecular consequence: frameshift variant. On other transcripts: non-coding transcript variant (1).
Genome position (GRCh38, 1-based): chr7:5,986,934, T deleted on the plus strand (A on the coding strand, the reverse complement: PMS2 is on the minus strand); the first of 4 consecutive T bases (chr7:5,986,934-5,986,937); deleting any one gives the same sequence. VCF-style (leftmost placement, unchanged base first): chr7-5986933-AT-A. GRCh37 (hg19) VCF-style: chr7-6026564-AT-A.
Other names: c.1831del, p.Ile611fs (NM_001322014.2); c.1720delA, p.Ile575Leufs (NM_001406869.1); c.1522del, p.Ile508fs (NM_001322015.2); c.2014delA, p.Ile673Leufs (NM_001406866.1); c.1672delA, p.Ile559Leufs (NM_001406870.1); c.1852delA, p.Ile619Leufs (NM_001406868.1); c.1423delA, p.Ile476Leufs (NM_001018040.1, NM_001406887.1, NM_001406888.1 and 13 more transcripts); c.1426del, p.Ile476fs (NM_001322003.2, NM_001322004.2, NM_001322005.2 and 1 more transcripts); and 20 more; short protein forms I505fs, I476fs, I508fs, I300fs, I420fs, I611fs, I424fs, I559fs.
Identifiers: ClinVar variation 1780965 (VCV001780965.2), dbSNP rs63750250, ClinGen allele CA2580076881.

ClinVar aggregate classification (germline): Pathogenic (1 of 4 stars; one submission).

Conditions:
Hereditary cancer-predisposing syndrome. Also called: Neoplastic Syndromes, Hereditary; Tumor predisposition; Hereditary Cancer Syndrome; Hereditary neoplastic syndrome. Identifiers: Orphanet 140162, MedGen C0027672, MeSH D009386, MONDO:0015356.

Submission:

Ambry Genetics
Classification: Pathogenic for Hereditary cancer-predisposing syndrome. Last evaluated: 2019-07-25. Review status: criteria provided, single submitter. Criteria: Ambry Variant Classification Scheme 2023. Collection method: clinical testing. Allele origin: germline.
Comment: The c.1831delA pathogenic mutation, located in coding exon 11 of the PMS2 gene, results from a deletion of one nucleotide at nucleotide position 1831, causing a translational frameshift with a predicted alternate stop codon (p.I611Lfs*21). This alteration is expected to result in loss of function by premature protein truncation or nonsense-mediated mRNA decay. As such, this alteration is interpreted as a disease-causing mutation.